The following is an entry in ClinVar:

NM_007294.4(BRCA1):c.5181A>T (p.Lys1727Asn)

Gene: BRCA1 (BRCA1 DNA repair associated; minus strand). Cytogenetic location: 17q21.31.
Variant type: single nucleotide variant.
Coding change: c.5181A>T on transcript NM_007294.4 (MANE Select); coding-DNA position 5181, A replaced by T.
Protein change: p.Lys1727Asn; replaces lysine 1727 with asparagine.
Molecular consequence: missense variant. On other transcripts: non-coding transcript variant (1).
Genome position (GRCh38, 1-based): chr17:43,063,345, T>A on the plus strand (A>T on the coding strand, the complement: BRCA1 is on the minus strand). VCF-style: chr17-43063345-T-A. GRCh37 (hg19) VCF-style: chr17-41215362-T-A.
Other names: c.5178A>T, p.Lys1726Asn (NM_001407612.1, NM_001407613.1, NM_001407614.1 and 17 more transcripts); c.5175A>T, p.Lys1725Asn (NM_001407629.1, NM_001407630.1, NM_001407631.1 and 14 more transcripts); c.5121A>T, p.Lys1707Asn (NM_001407649.1); c.5103A>T, p.Lys1701Asn (NM_001407652.1, NM_001407653.1, NM_001407654.1 and 1 more transcripts); c.5100A>T, p.Lys1700Asn (NM_001407656.1, NM_001407657.1, NM_001407658.1); c.5097A>T, p.Lys1699Asn (NM_001407659.1, NM_001407660.1, NM_001407661.1 and 2 more transcripts); c.5055A>T, p.Lys1685Asn (NM_001407670.1, NM_001407671.1, NM_001407672.1 and 10 more transcripts); c.5052A>T, p.Lys1684Asn (NM_001407689.1, NM_001407681.1, NM_001407682.1 and 6 more transcripts); and 72 more; short protein forms K1727N, K1680N, K623N, K1748N, K1707N, K1708N, K1722N, K1747N.
Identifiers: ClinVar variation 867774 (VCV000867774.3), dbSNP rs2051859200, ClinGen allele CA10591181.
Genomic context (GRCh38, chr17:43,063,345, plus strand): 5'-TATGACTGAATGAATATCTCTGGTTAGTTTGTAACATCAAGTACTTACCTCATTCAGCAT[T>A]TTTCTTTCTTTAATAGACTGGGTCACCCCTAAAGAGATCATAGAAAAGACAGGTTACATA-3'
Protein context (NP_009225.1, residues 1717-1737): FWVTQSIKER[Lys1727Asn]MLNEHDFEVR

Conditions:
Breast-ovarian cancer, familial, susceptibility to, 1 (BROVCA1). Also called: BRCA1 Hereditary Breast and Ovarian Cancer; OVARIAN CANCER, SUSCEPTIBILITY TO. Identifiers: Orphanet 145, MedGen C2676676, MONDO:0011450, OMIM 604370. Disease mechanism: loss of function.

Submission:

Brotman Baty Institute, University of Washington
No classification provided (evidence only). Condition: Breast-ovarian cancer, familial 1. Review status: no classification provided. Collection method: in vitro. Allele origin: not applicable. Functional consequence: functionally_normal.
ClinVar note: "not provided" was previously submitted as the classification for the variant. However, the classification appeared to be based only on an observation of functional data so it was converted to no classification on 2025-07-30.